The following is an entry in ClinVar:

NM_001330700.2(TOP2B):c.4793C>T (p.Pro1598Leu)

Gene: TOP2B (DNA topoisomerase II beta; minus strand). Cytogenetic location: 3p24.2.
Variant type: single nucleotide variant.
Coding change: c.4793C>T on transcript NM_001330700.2 (MANE Select); coding-DNA position 4793, C replaced by T.
Protein change: p.Pro1598Leu; replaces proline 1598 with leucine.
Molecular consequence: missense variant.
Genome position (GRCh38, 1-based): chr3:25,598,395, G>A on the plus strand (C>T on the coding strand, the complement: TOP2B is on the minus strand). VCF-style: chr3-25598395-G-A. GRCh37 (hg19) VCF-style: chr3-25639886-G-A.
Other names: c.4778C>T, p.Pro1593Leu (NM_001068.3); short protein forms P1593L, P1598L.
Identifiers: ClinVar variation 3667855 (VCV003667855.2).

ClinVar aggregate classification (germline): Uncertain significance (1 of 4 stars; one submission).

Submission:

Labcorp Genetics (formerly Invitae), Labcorp
Classification: Uncertain significance. Last evaluated: 2025-01-07. Review status: criteria provided, single submitter. Criteria: Invitae Variant Classification Sherloc (09022015). Collection method: clinical testing. Allele origin: germline.
Comment: This sequence change replaces proline, which is neutral and non-polar, with leucine, which is neutral and non-polar, at codon 1593 of the TOP2B protein (p.Pro1593Leu). This variant is not present in population databases (gnomAD no frequency). This variant has not been reported in the literature in individuals affected with TOP2B-related conditions. An algorithm developed to predict the effect of missense changes on protein structure and function (PolyPhen-2) suggests that this variant is likely to be tolerated. In summary, the available evidence is currently insufficient to determine the role of this variant in disease. Therefore, it has been classified as a Variant of Uncertain Significance.